The following is an entry in ClinVar:

NM_000384.3(APOB):c.1889T>C (p.Phe630Ser)

Gene: APOB (apolipoprotein B; minus strand). Cytogenetic location: 2p24.1.
Variant type: single nucleotide variant.
Coding change: c.1889T>C on transcript NM_000384.3 (MANE Select); coding-DNA position 1889, T replaced by C.
Protein change: p.Phe630Ser; replaces phenylalanine 630 with serine.
Molecular consequence: missense variant.
Genome position (GRCh38, 1-based): chr2:21,028,006, A>G on the plus strand (T>C on the coding strand, the complement: APOB is on the minus strand). VCF-style: chr2-21028006-A-G. GRCh37 (hg19) VCF-style: chr2-21250878-A-G.
Other names: short protein forms F630S.
Identifiers: ClinVar variation 5017990 (VCV005017990.1).

ClinVar aggregate classification (germline): Uncertain significance (1 of 4 stars; one submission).

Submission:

GeneDx
Classification: Uncertain significance. Last evaluated: 2026-04-02. Review status: criteria provided, single submitter. Criteria: GeneDx Variant Classification Process June 2021. Collection method: clinical testing. Allele origin: germline.
Comment: Not observed at significant frequency in large population cohorts (gnomAD); In silico analysis supports that this missense variant has a deleterious effect on protein structure/function; Has not been previously published as pathogenic or benign to our knowledge